The following is an entry in ClinVar:

NM_000540.3(RYR1):c.11049GGA[4] (p.Glu3689del)

Gene: RYR1 (ryanodine receptor 1; plus strand). Cytogenetic location: 19q13.2.
Variant type: Microsatellite.
Coding change: c.11049GGA[4] on transcript NM_000540.3 (MANE Select); four copies in a row of the 3-base unit GGA starting at c.11049; the reference has five copies in a row; one copy, 3 bases deleted; also written c.11061_11063del.
Protein change: p.Glu3689del; deletes glutamic acid 3689.
Molecular consequence: inframe deletion.
Genome position (GRCh38, 1-based): chr19:38,528,977-38,528,979, GGA deleted; deleting any 3 consecutive bases within chr19:38,528,964-38,528,979 gives the same sequence; the position shown is the placement nearest the transcript's 3' end. VCF-style (leftmost placement, unchanged base first): chr19-38528963-CAGG-C. GRCh37 (hg19) VCF-style: chr19-39019603-CAGG-C.
Other names: c.11061_11063delGGA (NM_000540.2); c.11034GGA[4], p.Glu3684del (NM_001042723.2); c.11061_11063del (NM_000540.3); short protein forms E3689del, E3684del.
Identifiers: ClinVar variation 218465 (VCV000218465.44), dbSNP rs760784102, ClinGen allele CA055733.
Genomic context (GRCh38, chr19:38,528,963, plus strand): 5'-GGAGGGGACTCTAGAAACCCTCTCCCCAAGTCTCCCCTCTCCCACCAGAAAGCTGGGGAG[CAGG>C]AGGAGGAGGAGGAAGAGGTGGAAGAGAAGAAGCCAGACCCCCTGCACCAGTTGGTCCTGC-3'

ClinVar aggregate classification (germline): Conflicting classifications of pathogenicity. Review status: criteria provided, conflicting classifications (1 of 4 stars). 10 submissions from 10 submitters: Uncertain significance (3); Benign (3); Likely benign (4). Last evaluated 2026-03-01.

Conditions:
RYR1-related disorder. Also called: RYR1-related condition; RYR1-related disorders. Identifiers: MedGen CN239331.
Malignant hypothermia.
Malignant hyperthermia, susceptibility to, 1 (MHS1). Also called: RYR1-Related Malignant Hyperthermia Susceptibility; Malignant hyperthermia suceptibility 1; Anesthesia related hyperthermia; Malignant hyperpyrexia; Fulminating hyperpyrexia; Pharmacogenic myopathy. Identifiers: Orphanet 423, MedGen C2930980, MONDO:0007783, OMIM 145600.

Submissions (10):

CeGaT Center for Human Genetics Tuebingen
Classification: Likely benign. Last evaluated: 2026-03-01. Review status: criteria provided, single submitter. Criteria: CeGaT Center For Human Genetics Tuebingen Variant Classification Criteria Version 2. Collection method: clinical testing. Allele origin: germline. Affected: yes. Observed: 2 variant alleles.
Comment: RYR1: BP3

PreventionGenetics, part of Exact Sciences
Classification: Likely benign for RYR1-related condition. Last evaluated: 2026-02-24. Review status: criteria provided, single submitter. Criteria: ACMG Guidelines, 2015. Collection method: clinical testing. Allele origin: germline.
Comment: This variant is classified as likely benign based on ACMG/AMP sequence variant interpretation guidelines (Richards et al. 2015 PMID: 25741868, with internal and published modifications).

Labcorp Genetics (formerly Invitae), Labcorp
Classification: Benign for RYR1-related disorder. Last evaluated: 2026-02-02. Review status: criteria provided, single submitter. Criteria: Invitae Variant Classification Sherloc (09022015). Collection method: clinical testing. Allele origin: germline.

Dasa
Classification: Benign. Last evaluated: 2026-01-26. Review status: criteria provided, single submitter. Criteria: DASA Assertion Criteria. Collection method: clinical testing. Allele origin: germline.
Comment: NM_000540.3(RYR1):c.11061_11063del (p.Glu3689del) is an in-frame deletion predicted to remove glutamic acid at protein position 3689 without shifting the reading frame. Population frequency is inconsistent with a disease-causing role for this variant. Therefore, based on the currently available evidence, this variant is classified as benign.

Blueprint Genetics
Classification: Likely benign. Last evaluated: 2024-11-28. Review status: criteria provided, single submitter. Criteria: ACMG Guidelines, 2015. Collection method: clinical testing. Allele origin: germline.

Mayo Clinic Laboratories, Mayo Clinic
Classification: Benign. Last evaluated: 2023-10-13. Review status: criteria provided, single submitter. Criteria: ACMG Guidelines, 2015. Collection method: clinical testing. Allele origin: germline. Observed: 2 variant alleles.
Comment: BA1

GeneDx
Classification: Uncertain significance. Last evaluated: 2023-05-09. Review status: criteria provided, single submitter. Criteria: GeneDx Variant Classification Process June 2021. Collection method: clinical testing. Allele origin: germline. Affected: yes.
Comment: Identified as a heterozygous variant in a cohort of African American men with muscle cramps and pain with exertion (Vedanarayanan and Sinclair, 2013); In silico analysis supports a deleterious effect on protein structure/function

Color Diagnostics, LLC DBA Color Health
Classification: Likely benign for Malignant hyperthermia, susceptibility to, 1. Last evaluated: 2019-03-28. Review status: criteria provided, single submitter. Criteria: ACMG Guidelines, 2015. Collection method: clinical testing. Allele origin: germline.

Genomic Diagnostic Laboratory, Division of Genomic Diagnostics, Children's Hospital of Philadelphia
Classification: Uncertain significance for Malignant hypothermia. Last evaluated: 2015-04-17. Review status: criteria provided, single submitter. Criteria: DGD Variant Analysis Guidelines. Collection method: clinical testing. Allele origin: unknown.

Biesecker Lab/Clinical Genomics Section, National Institutes of Health
Classification: Uncertain significance for Malignant hyperthermia, susceptibility to, 1. Last evaluated: 2013-07-01. Review status: criteria provided, single submitter. Criteria: Gonsalves et al. 2013. Collection method: research. Allele origin: unknown. Observed: 1 variant allele. Study: ClinSeq.
Comment: The study set was not selected for affection status in relation to any myopathy. Pathogenicity categories were based on literature curation. See Pubmed ID: 24195946 for details.